The following is an entry in ClinVar:

ClinVar aggregate classification (germline): Uncertain significance (1 of 4 stars; one submission).

Conditions:
Focal segmental glomerulosclerosis 5 (FSGS5). Identifiers: Orphanet 656, MedGen C2750475, MONDO:0013191, OMIM 613237.
Charcot-Marie-Tooth disease dominant intermediate E. Also called: CHARCOT-MARIE-TOOTH NEUROPATHY WITH FOCAL SEGMENTAL GLOMERULONEPHRITIS. Identifiers: Orphanet 93114, MedGen C4302667, MONDO:0013758, OMIM 614455.

Allele frequency attached by ClinVar (database versions not stated): gnomAD exomes 0.00001.

Submission:

Labcorp Genetics (formerly Invitae), Labcorp
Classification: Uncertain significance for Charcot-Marie-Tooth disease dominant intermediate E; Focal segmental glomerulosclerosis 5. Last evaluated: 2021-09-20. Review status: criteria provided, single submitter. Criteria: Invitae Variant Classification Sherloc (09022015). Collection method: clinical testing. Allele origin: germline.
Comment: In summary, the available evidence is currently insufficient to determine the role of this variant in disease. Therefore, it has been classified as a Variant of Uncertain Significance. Algorithms developed to predict the effect of missense changes on protein structure and function are either unavailable or do not agree on the potential impact of this missense change (SIFT: "Deleterious"; PolyPhen-2: "Not Available"; Align-GVGD: "Class C0"). This variant has not been reported in the literature in individuals affected with INF2-related conditions. The frequency data for this variant in the population databases is considered unreliable, as metrics indicate insufficient coverage at this position in the ExAC database. This sequence change replaces proline with alanine at codon 475 of the INF2 protein (p.Pro475Ala). The proline residue is moderately conserved and there is a small physicochemical difference between proline and alanine.

NM_022489.4(INF2):c.1423C>G (p.Pro475Ala)

Gene: INF2 (inverted formin 2; plus strand). Cytogenetic location: 14q32.33.
Variant type: single nucleotide variant.
Coding change: c.1423C>G on transcript NM_022489.4 (MANE Select); coding-DNA position 1423, C replaced by G.
Protein change: p.Pro475Ala; replaces proline 475 with alanine.
Molecular consequence: missense variant.
Genome position (GRCh38, 1-based): chr14:104,707,690, C>G. VCF-style: chr14-104707690-C-G. GRCh37 (hg19) VCF-style: chr14-105174027-C-G.
Other names: c.1423C>G, p.Pro475Ala (NM_001031714.4); short protein forms P475A.
Identifiers: ClinVar variation 639205 (VCV000639205.6), dbSNP rs1271375014, ClinGen allele CA391216964.